The following is an entry in ClinVar:

NM_000059.4(BRCA2):c.1813A>T (p.Ile605Leu)

Gene: BRCA2 (BRCA2 DNA repair associated; plus strand). Cytogenetic location: 13q13.1.
Variant type: single nucleotide variant.
Coding change: c.1813A>T on transcript NM_000059.4 (MANE Select); coding-DNA position 1813, A replaced by T.
Protein change: p.Ile605Leu; replaces isoleucine 605 with leucine.
Molecular consequence: missense variant.
Genome position (GRCh38, 1-based): chr13:32,333,291, A>T. VCF-style: chr13-32333291-A-T. GRCh37 (hg19) VCF-style: chr13-32907428-A-T.
Other names: short protein forms I605L.
Identifiers: ClinVar variation 236833 (VCV000236833.12), dbSNP rs878853557, ClinGen allele CA10583075.
Genomic context (GRCh38, chr13:32,333,291, plus strand): 5'-AAGAAAACAAATAAGTTTATTTATGCTATACATGATGAAACATCTTATAAAGGAAAAAAA[A>T]TACCGAAAGACCAAAAATCAGAACTAATTAACTGTTCAGCCCAGTTTGAAGCAAATGCTT-3'
Protein context (NP_000050.3, residues 595-615): HDETSYKGKK[Ile605Leu]PKDQKSELIN

ClinVar aggregate classification (germline): Conflicting classifications of pathogenicity. Review status: criteria provided, conflicting classifications (1 of 4 stars). 3 submissions from 3 submitters: Uncertain significance (1); Likely benign (2). Last evaluated 2025-08-17.

Conditions:
Hereditary cancer-predisposing syndrome. Also called: Hereditary neoplastic syndrome; Hereditary Cancer Syndrome; Neoplastic Syndromes, Hereditary; Tumor predisposition. Identifiers: Orphanet 140162, MedGen C0027672, MeSH D009386, MONDO:0015356.
Hereditary breast ovarian cancer syndrome. Also called: BRCA1- and BRCA2-Associated Hereditary Breast and Ovarian Cancer; Hereditary breast and ovarian cancer syndrome; Hereditary breast and ovarian cancer; Hereditary breast and ovarian cancer syndrome (HBOC); Breast and ovarian cancer; Hereditary breast and/or ovarian cancer syndrome. Identifiers: Orphanet 145, MedGen C0677776, MeSH D061325, MONDO:0003582. Disease mechanism: loss of function.

Submissions (3):

Labcorp Genetics (formerly Invitae), Labcorp
Classification: Uncertain significance for Hereditary breast ovarian cancer syndrome. Last evaluated: 2025-08-17. Review status: criteria provided, single submitter. Criteria: Invitae Variant Classification Sherloc (09022015). Collection method: clinical testing. Allele origin: germline.
Comment: This sequence change replaces isoleucine, which is neutral and non-polar, with leucine, which is neutral and non-polar, at codon 605 of the BRCA2 protein (p.Ile605Leu). This variant is not present in population databases (gnomAD no frequency). This variant has not been reported in the literature in individuals affected with BRCA2-related conditions. ClinVar contains an entry for this variant (Variation ID: 236833). Invitae Evidence Modeling of protein sequence and biophysical properties (such as structural, functional, and spatial information, amino acid conservation, physicochemical variation, residue mobility, and thermodynamic stability) indicates that this missense variant is not expected to disrupt BRCA2 protein function with a negative predictive value of 95%. In summary, the available evidence is currently insufficient to determine the role of this variant in disease. Therefore, it has been classified as a Variant of Uncertain Significance.

University of Washington Department of Laboratory Medicine, University of Washington
Classification: Likely benign for Hereditary cancer-predisposing syndrome. Last evaluated: 2023-03-23. Review status: criteria provided, single submitter. Criteria: Dines et al. (Genet Med. 2020). Collection method: curation. Allele origin: germline.
Comment: Missense variant in a coldspot region where missense variants are very unlikely to be pathogenic (PMID:31911673).

BRCA2 exon 10 coldspot. Reclassification based on statistical prior probability.

Ambry Genetics
Classification: Likely benign for Hereditary cancer-predisposing syndrome. Last evaluated: 2018-04-16. Review status: criteria provided, single submitter. Criteria: Ambry Variant Classification Scheme 2023. Collection method: clinical testing. Allele origin: germline.